The following is an entry in ClinVar:

ClinVar aggregate classification (germline): Uncertain significance. Review status: criteria provided, multiple submitters, no conflicts (2 of 4 stars). 2 submissions from 2 submitters: Uncertain significance (2). Last evaluated 2026-03-12.

Submissions (2):

Ambry Genetics
Classification: Uncertain significance. Last evaluated: 2026-03-12. Review status: criteria provided, single submitter. Criteria: Ambry Variant Classification Scheme 2023. Collection method: clinical testing. Allele origin: germline.
Comment: The p.L310V variant (also known as c.928C>G), located in coding exon 7 of the RINT1 gene, results from a C to G substitution at nucleotide position 928. The leucine at codon 310 is replaced by valine, an amino acid with highly similar properties. This amino acid position is conserved. In addition, this alteration is predicted to be tolerated by in silico analysis. Based on the available evidence, the clinical significance of this variant remains unclear.

Labcorp Genetics (formerly Invitae), Labcorp
Classification: Uncertain significance. Last evaluated: 2024-02-17. Review status: criteria provided, single submitter. Criteria: Invitae Variant Classification Sherloc (09022015). Collection method: clinical testing. Allele origin: germline.
Comment: This sequence change replaces leucine, which is neutral and non-polar, with valine, which is neutral and non-polar, at codon 310 of the RINT1 protein (p.Leu310Val). This variant is not present in population databases (gnomAD no frequency). This variant has not been reported in the literature in individuals affected with RINT1-related conditions. ClinVar contains an entry for this variant (Variation ID: 958602). An algorithm developed to predict the effect of missense changes on protein structure and function (PolyPhen-2) suggests that this variant is likely to be tolerated. In summary, the available evidence is currently insufficient to determine the role of this variant in disease. Therefore, it has been classified as a Variant of Uncertain Significance.

NM_021930.6(RINT1):c.928C>G (p.Leu310Val)

Gene: RINT1 (RAD50 interactor 1; plus strand). Cytogenetic location: 7q22.3.
Variant type: single nucleotide variant.
Coding change: c.928C>G on transcript NM_021930.6 (MANE Select); coding-DNA position 928, C replaced by G.
Protein change: p.Leu310Val; replaces leucine 310 with valine.
Molecular consequence: missense variant. On other transcripts: 5 prime UTR variant (1), non-coding transcript variant (1), intron variant (1).
Genome position (GRCh38, 1-based): chr7:105,548,642, C>G. VCF-style: chr7-105548642-C-G. GRCh37 (hg19) VCF-style: chr7-105189089-C-G.
Other names: c.694C>G, p.Leu232Val (NM_001346599.2); c.-92C>G (NM_001346600.2); c.4C>G, p.Leu2Val (NM_001346601.2); c.-27-1413C>G (NM_001346603.2); short protein forms L232V, L2V, L310V.
Identifiers: ClinVar variation 958602 (VCV000958602.10), dbSNP rs1790788106, ClinGen allele CA368808002.